The following is an entry in ClinVar:

NM_006005.3(WFS1):c.445T>C (p.Leu149=)

Gene: WFS1 (wolframin ER transmembrane glycoprotein; plus strand). Cytogenetic location: 4p16.1.
Variant type: single nucleotide variant.
Coding change: c.445T>C on transcript NM_006005.3 (MANE Select); coding-DNA position 445, T replaced by C.
Protein change: p.Leu149=; no amino-acid change (leucine 149 retained).
Molecular consequence: synonymous variant.
Genome position (GRCh38, 1-based): chr4:6,289,116, T>C. VCF-style: chr4-6289116-T-C. GRCh37 (hg19) VCF-style: chr4-6290843-T-C.
Other names: c.445T>C, p.Leu149= (NM_001145853.1).
Identifiers: ClinVar variation 907296 (VCV000907296.5), dbSNP rs1730394064, ClinGen allele CA438210874.
Genomic context (GRCh38, chr4:6,289,116, plus strand): 5'-TGGCTGGTCCTCGCCGCGAAGCAGGGCCGTCGCGAGGCTGTGAAGCTGCTTCGCCGGTGC[T>C]TGGCGGACAGAAGAGGTGGGTCTGTGTGAGGCTTAGAACAGCCTCTGGAGGGTTGAGCAG-3'
Protein context (NP_005996.2, residues 139-159): REAVKLLRRC[Leu149=]ADRRGITSEN

ClinVar aggregate classification (germline): Conflicting classifications of pathogenicity. Review status: criteria provided, conflicting classifications (1 of 4 stars). 3 submissions from 2 submitters: Uncertain significance (2); Likely benign (1). Last evaluated 2018-01-13.

Conditions:
Autosomal dominant nonsyndromic hearing loss 6 (LFSNHL). Also called: DEAFNESS, AUTOSOMAL DOMINANT 6; DEAFNESS, AUTOSOMAL DOMINANT 14; DEAFNESS, AUTOSOMAL DOMINANT 38; Autosomal dominant nonsyndromic deafness 6; DIDMOAD (Diabetes Insipidus, Diabetes Mellitus, Optic Atrophy, and Deafness). Identifiers: Orphanet 90635, MedGen C1833021, MONDO:0010963, OMIM 600965.
Wolfram syndrome 1 (WFS1). Identifiers: Orphanet 3463, MedGen C4551693, MONDO:0009101, OMIM 222300.
WFS1-Related Spectrum Disorders.

gnomAD v4.1: 7 of 1,578,984 alleles (0.00044%); highest among the groups gnomAD compares: Non-Finnish European, 0.00043%; no homozygotes.

Submissions (3):

Illumina Laboratory Services, Illumina
Classification: Uncertain significance for Autosomal dominant nonsyndromic hearing loss 6. Last evaluated: 2018-01-13. Review status: criteria provided, single submitter. Criteria: ICSL Variant Classification Criteria 13 December 2019. Collection method: clinical testing. Allele origin: germline.

Illumina Laboratory Services, Illumina
Classification: Uncertain significance for WFS1-Related Spectrum Disorders. Last evaluated: 2018-01-13. Review status: criteria provided, single submitter. Criteria: ICSL Variant Classification Criteria 13 December 2019. Collection method: clinical testing. Allele origin: germline.

Clinical Genomics, Uppaluri K&H Personalized Medicine Clinic
Classification: Likely benign for Wolfram syndrome 1. Review status: criteria provided, single submitter. Criteria: K & H Uppaluri Personalized Medicine Clinic Variant Classification & Assertion Criteria_Updated V.1. Collection method: research. Allele origin: unknown. Inheritance: Autosomal recessive inheritance.
Comment: Potent mutations in WFS1 gene are associated with Wolfram's syndrome, an autosomal recessive condition, which cause diabetes mellitus, diabetes insipidus, deafness and optic atrophy. However no sufficient evidence is found to ascertain the role of this particular variant rs1730394064 in Wolfram's syndrome yet.

Literature cited by the submitters: PubMed 20738327 (cited by Clinical Genomics, Uppaluri K&H Personalized Medicine Clinic); PubMed 33879153 (cited by Clinical Genomics, Uppaluri K&H Personalized Medicine Clinic); PubMed 12955714 (cited by Clinical Genomics, Uppaluri K&H Personalized Medicine Clinic); PubMed 18060660 (cited by Clinical Genomics, Uppaluri K&H Personalized Medicine Clinic); PubMed 20301750 (cited by Clinical Genomics, Uppaluri K&H Personalized Medicine Clinic); PubMed 17603484 (cited by Clinical Genomics, Uppaluri K&H Personalized Medicine Clinic).